The following is an entry in ClinVar:

NM_001130009.3(GEN1):c.121G>A (p.Val41Ile)

Gene: GEN1 (GEN1 structure-specific endonuclease; plus strand). Cytogenetic location: 2p24.2.
Variant type: single nucleotide variant.
Coding change: c.121G>A on transcript NM_001130009.3 (MANE Select); coding-DNA position 121, G replaced by A.
Protein change: p.Val41Ile; replaces valine 41 with isoleucine.
Molecular consequence: missense variant.
Genome position (GRCh38, 1-based): chr2:17,760,064, G>A. VCF-style: chr2-17760064-G-A. GRCh37 (hg19) VCF-style: chr2-17941331-G-A.
Other names: c.121G>A, p.Val41Ile (NM_182625.5); short protein forms V41I.
Identifiers: ClinVar variation 1059122 (VCV001059122.9), dbSNP rs2125119518, ClinGen allele CA345905770.
Genomic context (GRCh38, chr2:17,760,064, plus strand): 5'-AATCTTGGTGGGAAAACCATTGCAGTTGATCTGAGTCTCTGGGTGTGTGAGGCACAGACA[G>A]TCAAAAAAATGATGGGCAGCGTCATGAAGCCCCACCTCAGGTATAGTAAAAGCTCTTACA-3'
Protein context (NP_001123481.3, residues 31-51): LSLWVCEAQT[Val41Ile]KKMMGSVMKP

ClinVar aggregate classification (germline): Uncertain significance (1 of 4 stars; one submission).

Allele frequency attached by ClinVar (database versions not stated): gnomAD exomes below 0.00001.

Submission:

Labcorp Genetics (formerly Invitae), Labcorp
Classification: Uncertain significance. Last evaluated: 2020-10-21. Review status: criteria provided, single submitter. Criteria: Invitae Variant Classification Sherloc (09022015). Collection method: clinical testing. Allele origin: germline.
Comment: This sequence change replaces valine with isoleucine at codon 41 of the GEN1 protein (p.Val41Ile). The valine residue is highly conserved and there is a small physicochemical difference between valine and isoleucine. This variant is not present in population databases (ExAC no frequency). This variant has not been reported in the literature in individuals with GEN1-related conditions. Algorithms developed to predict the effect of missense changes on protein structure and function are either unavailable or do not agree on the potential impact of this missense change (SIFT: "Tolerated"; PolyPhen-2: "Probably Damaging"; Align-GVGD: "Class C0"). In summary, the available evidence is currently insufficient to determine the role of this variant in disease. Therefore, it has been classified as a Variant of Uncertain Significance.